The following is an entry in ClinVar:

NM_206933.4(USH2A):c.6270A>G (p.Leu2090=)

Gene: USH2A (usherin; minus strand). Cytogenetic location: 1q41.
Variant type: single nucleotide variant.
Coding change: c.6270A>G on transcript NM_206933.4 (MANE Select); coding-DNA position 6270, A replaced by G.
Protein change: p.Leu2090=; no amino-acid change (leucine 2090 retained).
Molecular consequence: synonymous variant.
Genome position (GRCh38, 1-based): chr1:216,046,486, T>C on the plus strand (A>G on the coding strand, the complement: USH2A is on the minus strand). VCF-style: chr1-216046486-T-C. GRCh37 (hg19) VCF-style: chr1-216219828-T-C.
Identifiers: ClinVar variation 48556 (VCV000048556.58), dbSNP rs56245532, ClinGen allele CA143550.
Genomic context (GRCh38, chr1:216,046,486, plus strand): 5'-CTTACCTGTGACTATGTAGTTCTCCTCACTGCCTGAATAGATCAGCCTCCCATCCATGTA[T>C]AAACAGTACTGAGTTATAATACCATTTGCCTTTTTGGGTGGGTTCCAGGAGAGCAGCAAA-3'
Protein context (NP_996816.3, residues 2080-2100): KANGIITQYC[Leu2090=]YMDGRLIYSG

ClinVar aggregate classification (germline): Benign/Likely benign. Review status: criteria provided, multiple submitters, no conflicts (2 of 4 stars). 12 submissions from 11 submitters: Benign (6); Likely benign (2). 4 of the submissions do not count toward it. Last evaluated 2026-02-04.

Conditions:
Usher syndrome type 2A. Also called: USHER SYNDROME, TYPE IIA; RETINAL DISEASE IN USHER SYNDROME TYPE IIA, MODIFIER OF. Identifiers: Orphanet 231178, Orphanet 886, MedGen C1848634, MONDO:0010169, OMIM 276901.
Retinitis pigmentosa 39 (RP39). Identifiers: Orphanet 791, MedGen C3151138, MONDO:0013436, OMIM 613809.

Allele frequency attached by ClinVar (database versions not stated): 1000 Genomes Project 30x 0.00187; 1000 Genomes Project 0.00200; TOPMed 0.00317; ESP Exome Variant Server 0.00331; ExAC 0.00378; gnomAD exomes 0.00393 and 0.00562; gnomAD 0.00405 and 0.00414.
gnomAD v4.1: 8,705 of 1,613,842 alleles (0.54%); highest among the groups gnomAD compares: Non-Finnish European, 0.63%; 47 homozygotes.

Submissions (12):

Labcorp Genetics (formerly Invitae), Labcorp
Classification: Benign. Last evaluated: 2026-02-04. Review status: criteria provided, single submitter. Criteria: Invitae Variant Classification Sherloc (09022015). Collection method: clinical testing. Allele origin: germline.

CeGaT Center for Human Genetics Tuebingen
Classification: Likely benign. Last evaluated: 2025-12-01. Review status: criteria provided, single submitter. Criteria: CeGaT Center For Human Genetics Tuebingen Variant Classification Criteria Version 2. Collection method: clinical testing. Allele origin: germline. Affected: yes. Observed: 12 variant alleles.
Comment: USH2A: BP4, BP7, BS2

Blueprint Genetics
Classification: Likely benign. Last evaluated: 2024-11-26. Review status: criteria provided, single submitter. Criteria: ACMG Guidelines, 2015. Collection method: clinical testing. Allele origin: germline.

Genome-Nilou Lab
Classification: Benign for Retinitis pigmentosa 39. Last evaluated: 2023-11-04. Review status: criteria provided, single submitter. Criteria: ACMG Guidelines, 2015. Collection method: clinical testing. Allele origin: germline. Affected: no.

Genome-Nilou Lab
Classification: Benign for Usher syndrome type 2A. Last evaluated: 2023-11-04. Review status: criteria provided, single submitter. Criteria: ACMG Guidelines, 2015. Collection method: clinical testing. Allele origin: germline. Affected: no.

GeneDx
Classification: Benign. Last evaluated: 2015-03-03. Review status: criteria provided, single submitter. Criteria: GeneDx Variant Classification Process June 2021. Collection method: clinical testing. Allele origin: germline. Affected: yes.

Eurofins Ntd Llc (ga)
Classification: Benign. Last evaluated: 2015-02-16. Review status: criteria provided, single submitter. Criteria: EGL Classification Definitions 2015. Collection method: clinical testing. Allele origin: germline. Observed: 1 variant allele, 1 heterozygote.

Laboratory for Molecular Medicine, Mass General Brigham Personalized Medicine
Classification: Benign. Last evaluated: 2012-02-28. Review status: criteria provided, single submitter. Criteria: LMM Criteria. Collection method: clinical testing. Allele origin: germline. Observed: 14 variant alleles.
Comment: Leu2090Leu in exon 32 of USH2A: This variant is not expected to have clinical si gnificance because it does not alter an amino acid residue, is not located near a splice junction, has been identified in 0.4% (31/7020) of European American ch romosomes and 0.2% (6/3738) African American chromosomes by the NHLBI Exome Sequ encing Project (rs56245532), and is reported a s benign in one publication (McGee 2010).

Natera, Inc.
Classification: Benign for Usher syndrome type 2A. Last evaluated: 2020-09-16. Review status: no assertion criteria provided. Collection method: clinical testing. Allele origin: germline. Not counted in ClinVar's aggregate classification.

Clinical Genetics DNA and cytogenetics Diagnostics Lab, Erasmus MC, Erasmus Medical Center
Classification: Likely benign. Review status: no assertion criteria provided. Collection method: clinical testing. Allele origin: germline. Affected: yes. Study: VKGL Data-share Consensus. Not counted in ClinVar's aggregate classification.

Clinical Genetics, Academic Medical Center
Classification: Benign. Review status: no assertion criteria provided. Collection method: clinical testing. Allele origin: germline. Affected: yes. Study: VKGL Data-share Consensus. Not counted in ClinVar's aggregate classification.

Joint Genome Diagnostic Labs from Nijmegen and Maastricht, Radboudumc and MUMC+
Classification: Likely benign. Review status: no assertion criteria provided. Collection method: clinical testing. Allele origin: germline. Affected: yes. Study: VKGL Data-share Consensus. Not counted in ClinVar's aggregate classification.

Literature cited by the submitters: PubMed 20507924 (cited by Laboratory for Molecular Medicine, Mass General Brigham Personalized Medicine).